The following is an entry in ClinVar:

ClinVar aggregate classification (germline): Conflicting classifications of pathogenicity. Review status: criteria provided, conflicting classifications (1 of 4 stars). 3 submissions from 3 submitters: Pathogenic (1); Likely pathogenic (1); Uncertain significance (1). Last evaluated 2022-02-16.

Conditions:
Neurofibromatosis, type 1 (NF1). Also called: Neurofibromatosis, type I; NEUROFIBROMATOSIS, TYPE I, SOMATIC; Peripheral type neurofibromatosis; VON RECKLINGHAUSEN DISEASE. Identifiers: Orphanet 636, MedGen C0027831, MONDO:0018975, OMIM 162200. Disease mechanism: loss of function.
Hereditary cancer-predisposing syndrome. Also called: Hereditary neoplastic syndrome; Tumor predisposition; Neoplastic Syndromes, Hereditary; Hereditary Cancer Syndrome. Identifiers: Orphanet 140162, MedGen C0027672, MeSH D009386, MONDO:0015356.
Cardiovascular phenotype. Identifiers: MedGen CN230736.

Submissions (3):

Greenwood Genetic Center Diagnostic Laboratories, Greenwood Genetic Center
Classification: Uncertain significance. Last evaluated: 2022-02-16. Review status: criteria provided, single submitter. Criteria: ACMG Guidelines, 2015. Collection method: clinical testing. Allele origin: germline. Affected: yes.
Comment: PM2, PP3, PP4

Labcorp Genetics (formerly Invitae), Labcorp
Classification: Pathogenic for Neurofibromatosis, type 1. Last evaluated: 2020-02-21. Review status: criteria provided, single submitter. Criteria: Invitae Variant Classification Sherloc (09022015). Collection method: clinical testing. Allele origin: germline.
Comment: This sequence change affects an acceptor splice site in intron 12 of the NF1 gene. It is expected to disrupt RNA splicing and likely results in an absent or disrupted protein product. This variant is not present in population databases (ExAC no frequency). Disruption of this splice site has been observed in several individuals with clinical features of neurofibromatosis type 1 (Invitae). ClinVar contains an entry for this variant (Variation ID: 429014). Algorithms developed to predict the effect of sequence changes on RNA splicing suggest that this variant may disrupt the consensus splice site, but this prediction has not been confirmed by published transcriptional studies. Donor and acceptor splice site variants typically lead to a loss of protein function (PMID: 16199547), and loss-of-function variants in NF1 are known to be pathogenic (PMID: 10712197, 23913538). For these reasons, this variant has been classified as Pathogenic.

Ambry Genetics
Classification: Likely pathogenic for Cardiovascular phenotype; Hereditary cancer-predisposing syndrome. Last evaluated: 2016-12-03. Review status: criteria provided, single submitter. Criteria: Ambry Variant Classification Scheme 2023. Collection method: clinical testing. Allele origin: germline.
Comment: The c.1393-1G>T intronic variant results from a G to T substitution one nucleotide upstream from coding exon 13 of the NF1 gene. This nucleotide position is highly conserved in available vertebrate species. Using the BDGP and ESEfinder splice site prediction tools, this alteration is predicted to abolish the native splice acceptor site; however, direct evidence is unavailable. Alterations that disrupt the canonical splice site are expected to cause aberrant splicing, resulting in an abnormal protein or a transcript that is subject to nonsense-mediated mRNA decay. As such, this alteration is classified as likely pathogenic.

Literature cited by the submitters: PubMed 16199547 (cited by Labcorp Genetics (formerly Invitae), Labcorp); PubMed 10712197 (cited by Labcorp Genetics (formerly Invitae), Labcorp); PubMed 23913538 (cited by Labcorp Genetics (formerly Invitae), Labcorp).

NM_001042492.3(NF1):c.1393-1G>T

Gene: NF1 (neurofibromin 1; plus strand). Cytogenetic location: 17q11.2.
Variant type: single nucleotide variant.
Coding change: c.1393-1G>T on transcript NM_001042492.3 (MANE Select); the canonical splice acceptor site of the intron before coding-DNA position 1393, G replaced by T.
Molecular consequence: splice acceptor variant.
Genome position (GRCh38, 1-based): chr17:31,214,450, G>T. VCF-style: chr17-31214450-G-T. GRCh37 (hg19) VCF-style: chr17-29541468-G-T.
Other names: c.1393-1G>T (NM_000267.4, NM_001128147.3).
Identifiers: ClinVar variation 429014 (VCV000429014.12), dbSNP rs1131691131, ClinGen allele CA399001402.